The following is an entry in ClinVar:

NM_002755.4(MAP2K1):c.631G>A (p.Val211Ile)

Gene: MAP2K1 (mitogen-activated protein kinase kinase 1; plus strand). Cytogenetic location: 15q22.31.
Variant type: single nucleotide variant.
Coding change: c.631G>A on transcript NM_002755.4 (MANE Select); coding-DNA position 631, G replaced by A.
Protein change: p.Val211Ile; replaces valine 211 with isoleucine.
Molecular consequence: missense variant.
Genome position (GRCh38, 1-based): chr15:66,481,817, G>A. VCF-style: chr15-66481817-G-A. GRCh37 (hg19) VCF-style: chr15-66774155-G-A.
Other names: short protein forms V211I.
Identifiers: ClinVar variation 179898 (VCV000179898.11), dbSNP rs727505206, ClinGen allele CA185378.
Genomic context (GRCh38, chr15:66,481,817, plus strand): 5'-GTCAAGCCCTCCAACATCCTAGTCAACTCCCGTGGGGAGATCAAGCTCTGTGACTTTGGG[G>A]TCAGCGGGCAGCTCATCGACTCCATGGCCAACTCCTTCGTGGGCACAAGGTCCTACATGT-3'
Protein context (NP_002746.1, residues 201-221): RGEIKLCDFG[Val211Ile]SGQLIDSMAN

ClinVar aggregate classification (germline): Uncertain significance. Review status: criteria provided, multiple submitters, no conflicts (2 of 4 stars). 2 submissions from 2 submitters: Uncertain significance (2). Last evaluated 2017-05-24.

Conditions:
RASopathy. Also called: Noonan spectrum disorder; rasopathies. Identifiers: Orphanet 536391, MedGen C5555857, MONDO:0021060.

Allele frequency attached by ClinVar (database versions not stated): gnomAD 0.00001; gnomAD exomes below 0.00001; TOPMed below 0.00001.
gnomAD v4.1: 5 of 1,613,866 alleles (0.00031%); highest among the groups gnomAD compares: Non-Finnish European, 0.00042%; no homozygotes.

Submissions (2):

Labcorp Genetics (formerly Invitae), Labcorp
Classification: Uncertain significance for RASopathy. Last evaluated: 2017-05-24. Review status: criteria provided, single submitter. Criteria: Invitae Variant Classification Sherloc (09022015). Collection method: clinical testing. Allele origin: germline.
Comment: This variant is not present in population databases (ExAC no frequency). In summary, this variant has uncertain impact on MAP2K1 function. The available evidence is currently insufficient to determine its role in disease. Therefore, it has been classified as a Variant of Uncertain Significance. Algorithms developed to predict the effect of missense changes on protein structure and function do not agree on the potential impact of this missense change (SIFT: "Deleterious"; PolyPhen-2: "Probably Damaging"; Align-GVGD: "Class C0"). This variant has not been reported in the literature in individuals with a MAP2K1-related disease. ClinVar contains an entry for this variant (Variation ID: 179898). This sequence change replaces valine with isoleucine at codon 211 of the MAP2K1 protein (p.Val211Ile). The valine residue is highly conserved and there is a small physicochemical difference between valine and isoleucine.

Laboratory for Molecular Medicine, Mass General Brigham Personalized Medicine
Classification: Uncertain significance. Last evaluated: 2014-07-22. Review status: criteria provided, single submitter. Criteria: LMM Criteria. Collection method: clinical testing. Allele origin: germline. Observed: 1 variant allele.
Comment: The Val211Ile in MAP2K1 has not previously been reported in individuals with cli nical features of a Noonan spectrum disorder or in large population studies. The Val residue at this position is highly conserved across evolutionarily distant species, though computational prediction tools do not provide strong support for or against an impact to the protein. In summary, the clinical significance of t he Val211Ile variant is uncertain.